The following is an entry in ClinVar:

NM_006267.5(RANBP2):c.1300C>A (p.Leu434Ile)

Gene: RANBP2 (RAN binding protein 2; plus strand). Cytogenetic location: 2q13.
Variant type: single nucleotide variant.
Coding change: c.1300C>A on transcript NM_006267.5 (MANE Select); coding-DNA position 1300, C replaced by A.
Protein change: p.Leu434Ile; replaces leucine 434 with isoleucine.
Molecular consequence: missense variant.
Genome position (GRCh38, 1-based): chr2:108,751,290, C>A. VCF-style: chr2-108751290-C-A. GRCh37 (hg19) VCF-style: chr2-109367746-C-A.
Other names: c.1300C>A, p.Leu434Ile (NM_001415871.1, NM_001415873.1); c.1297C>A, p.Leu433Ile (NM_001415872.1); short protein forms L433I, L434I.
Identifiers: ClinVar variation 3368959 (VCV003368959.1).

ClinVar aggregate classification (germline): Uncertain significance (1 of 4 stars; one submission).

Submission:

GeneDx
Classification: Uncertain significance. Last evaluated: 2024-02-12. Review status: criteria provided, single submitter. Criteria: GeneDx Variant Classification Process June 2021. Collection method: clinical testing. Allele origin: germline. Affected: yes.
Comment: Not observed at significant frequency in large population cohorts (gnomAD); In silico analysis supports that this missense variant does not alter protein structure/function; Has not been previously published as pathogenic or benign to our knowledge